The following is an entry in ClinVar:

NM_000287.4(PEX6):c.1723C>T (p.Arg575Trp)

Gene: PEX6 (peroxisomal biogenesis factor 6; minus strand). Cytogenetic location: 6p21.1.
Variant type: single nucleotide variant.
Coding change: c.1723C>T on transcript NM_000287.4 (MANE Select); coding-DNA position 1723, C replaced by T.
Protein change: p.Arg575Trp; replaces arginine 575 with tryptophan.
Molecular consequence: missense variant. On other transcripts: non-coding transcript variant (1).
Genome position (GRCh38, 1-based): chr6:42,967,529, G>A on the plus strand (C>T on the coding strand, the complement: PEX6 is on the minus strand). VCF-style: chr6-42967529-G-A. GRCh37 (hg19) VCF-style: chr6-42935267-G-A.
Other names: c.1459C>T, p.Arg487Trp (NM_001316313.2); short protein forms R487W, R575W.
Identifiers: ClinVar variation 1436921 (VCV001436921.8), dbSNP rs755211783, ClinGen allele CA3811231.

ClinVar aggregate classification (germline): Uncertain significance. Review status: criteria provided, multiple submitters, no conflicts (2 of 4 stars). 3 submissions from 3 submitters: Uncertain significance (3). Last evaluated 2023-01-04.

Conditions:
Peroxisome biogenesis disorder. Identifiers: Orphanet 79189, MedGen C1832200, MONDO:0019234. Disease mechanism: loss of function.

gnomAD v4.1: 25 of 1,605,180 alleles (0.0016%); highest among the groups gnomAD compares: Admixed American, 0.019%; no homozygotes.

Submissions (3):

Revvity Omics, Revvity
Classification: Uncertain significance. Last evaluated: 2023-01-04. Review status: criteria provided, single submitter. Criteria: ACMG Guidelines, 2015. Collection method: clinical testing. Allele origin: germline.

Blueprint Genetics
Classification: Uncertain significance. Last evaluated: 2022-05-09. Review status: criteria provided, single submitter. Criteria: ACMG Guidelines, 2015. Collection method: clinical testing. Allele origin: germline.

Labcorp Genetics (formerly Invitae), Labcorp
Classification: Uncertain significance for Peroxisome biogenesis disorder. Last evaluated: 2022-03-01. Review status: criteria provided, single submitter. Criteria: Invitae Variant Classification Sherloc (09022015). Collection method: clinical testing. Allele origin: germline.
Comment: This sequence change replaces arginine, which is basic and polar, with tryptophan, which is neutral and slightly polar, at codon 575 of the PEX6 protein (p.Arg575Trp). This variant is present in population databases (rs755211783, gnomAD 0.03%). This variant has not been reported in the literature in individuals affected with PEX6-related conditions. Algorithms developed to predict the effect of missense changes on protein structure and function are either unavailable or do not agree on the potential impact of this missense change (SIFT: "Deleterious"; PolyPhen-2: "Possibly Damaging"; Align-GVGD: "Class C0"). In summary, the available evidence is currently insufficient to determine the role of this variant in disease. Therefore, it has been classified as a Variant of Uncertain Significance.